The following is an entry in ClinVar:

ClinVar aggregate classification (germline): Conflicting classifications of pathogenicity. Review status: criteria provided, conflicting classifications (1 of 4 stars). 5 submissions from 5 submitters: Pathogenic (1); Likely pathogenic (3); Uncertain significance (1). Last evaluated 2026-09-09.

Conditions:
Dilated cardiomyopathy 1GG (CMD1GG). Identifiers: Orphanet 154, MedGen C3150898, MONDO:0013339, OMIM 613642.
Mitochondrial complex II deficiency, nuclear type 1. Also called: SUCCINATE CoQ REDUCTASE DEFICIENCY. Identifiers: Orphanet 3208, MedGen C5700310, MONDO:0100294, OMIM 252011.
Pheochromocytoma/paraganglioma syndrome 5. Also called: Paragangliomas 5; SDHA-Related Hereditary Paraganglioma-Pheochromocytoma Syndrome. Identifiers: Orphanet 29072, MedGen C3279992, MONDO:0013602, OMIM 614165.
Hereditary cancer-predisposing syndrome. Also called: Tumor predisposition; Hereditary neoplastic syndrome; Neoplastic Syndromes, Hereditary; Hereditary Cancer Syndrome. Identifiers: Orphanet 140162, MedGen C0027672, MeSH D009386, MONDO:0015356.

Submissions (5):

Ambry Genetics
Classification: Uncertain significance for Hereditary cancer-predisposing syndrome. Last evaluated: 2026-09-09. Review status: criteria provided, single submitter. Criteria: Ambry Variant Classification Scheme 2023. Collection method: clinical testing. Allele origin: germline.
Comment: The c.1260+1G>A intronic variant results from a G to A substitution one nucleotide after coding exon 9 of the SDHA gene. This alteration was identified in an individual with a paraganglioma (Van der Tuin K et al. J Clin Endocrinol Metab 2018 Feb;103(2):438-445). This nucleotide position is highly conserved in available vertebrate species. In silico splice site analysis predicts that this alteration will weaken the native splice donor site. RNA studies have demonstrated that this alteration results in a transcript predicted to lead to a protein with an in-frame insertion of two amino acids; however, the exact functional impact of the inserted amino acids is unknown at this time (Ambry internal data). Based on the available evidence, the clinical significance of this variant remains unclear.

Myriad Genetics, Inc.
Classification: Likely pathogenic for Pheochromocytoma/paraganglioma syndrome 5. Last evaluated: 2026-05-01. Review status: criteria provided, single submitter. Criteria: Myriad Autosomal Dominant, Autosomal Recessive and X-Linked Classification Criteria (2023). Collection method: clinical testing. Allele origin: unknown.
Comment: This variant is considered likely pathogenic. This variant occurs within a consensus splice junction and is predicted to result in abnormal mRNA splicing of either an out-of-frame exon or an in-frame exon necessary for protein stability and/or normal function.

GeneDx
Classification: Pathogenic. Last evaluated: 2023-09-05. Review status: criteria provided, single submitter. Criteria: GeneDx Variant Classification Process June 2021. Collection method: clinical testing. Allele origin: germline. Affected: yes.
Comment: Canonical splice site variant predicted to result in a null allele in a gene for which loss of function is a known mechanism of disease; Not observed at significant frequency in large population cohorts (gnomAD); This variant is associated with the following publications: (PMID: 29177515)

Baylor Genetics
Classification: Likely pathogenic for Dilated cardiomyopathy 1GG. Last evaluated: 2021-10-22. Review status: criteria provided, single submitter. Criteria: ACMG Guidelines, 2015. Collection method: clinical testing. Allele origin: unknown.

Labcorp Genetics (formerly Invitae), Labcorp
Classification: Likely pathogenic for Pheochromocytoma/paraganglioma syndrome 5; Mitochondrial complex II deficiency, nuclear type 1. Last evaluated: 2019-09-10. Review status: criteria provided, single submitter. Criteria: Invitae Variant Classification Sherloc (09022015). Collection method: clinical testing. Allele origin: germline.
Comment: In summary, the currently available evidence indicates that the variant is pathogenic, but additional data are needed to prove that conclusively. Therefore, this variant has been classified as Likely Pathogenic. Donor and acceptor splice site variants typically lead to a loss of protein function (PMID: 16199547), and loss-of-function variants in SDHA are known to be pathogenic (PMID: 22974104, 24781757). This variant has been observed in an individual affected with head and neck paraganglioma (PMID: 29177515). This variant is not present in population databases (ExAC no frequency). This sequence change affects a donor splice site in intron 9 of the SDHA gene. It is expected to disrupt RNA splicing and likely results in an absent or disrupted protein product.

Literature cited by the submitters: PubMed 29177515 (cited by Ambry Genetics and Labcorp Genetics (formerly Invitae), Labcorp); PubMed 16199547 (cited by Labcorp Genetics (formerly Invitae), Labcorp); PubMed 22974104 (cited by Labcorp Genetics (formerly Invitae), Labcorp); PubMed 24781757 (cited by Labcorp Genetics (formerly Invitae), Labcorp).

NM_004168.4(SDHA):c.1260+1G>A

Gene: SDHA (succinate dehydrogenase complex flavoprotein subunit A; plus strand). Cytogenetic location: 5p15.33.
Variant type: single nucleotide variant.
Coding change: c.1260+1G>A on transcript NM_004168.4 (MANE Select); the canonical splice donor site of the intron after coding-DNA position 1260, G replaced by A.
Molecular consequence: splice donor variant.
Genome position (GRCh38, 1-based): chr5:235,340, G>A. VCF-style: chr5-235340-G-A. GRCh37 (hg19) VCF-style: chr5-235455-G-A.
Other names: c.1260+1G>A (NM_001330758.2, NM_004168.2); c.1116+1G>A (NM_001294332.2).
Identifiers: ClinVar variation 848656 (VCV000848656.15), dbSNP rs1735710012, ClinGen allele CA359013786.